The following is an entry in ClinVar:

NM_015404.4(WHRN):c.153C>G (p.Ser51Arg)

Gene: WHRN (whirlin; minus strand). Cytogenetic location: 9q32.
Variant type: single nucleotide variant.
Coding change: c.153C>G on transcript NM_015404.4 (MANE Select); coding-DNA position 153, C replaced by G.
Protein change: p.Ser51Arg; replaces serine 51 with arginine.
Molecular consequence: missense variant.
Genome position (GRCh38, 1-based): chr9:114,504,649, G>C on the plus strand (C>G on the coding strand, the complement: WHRN is on the minus strand). VCF-style: chr9-114504649-G-C. GRCh37 (hg19) VCF-style: chr9-117266929-G-C.
Other names: c.153C>G, p.Ser51Arg (NM_001173425.2); short protein forms S51R.
Identifiers: ClinVar variation 1464710 (VCV001464710.8), dbSNP rs753390670, ClinGen allele CA198660476.
Genomic context (GRCh38, chr9:114,504,649, plus strand): 5'-GACGTTGCGGCGCGCGTGGTAAGCGTTCAGGCAGTGGGTGAACTGCTCCCGCTCCGCCTC[G>C]CTCAGCAGCGCGGTCAGCGCTTGGTGCAGCTGGCGCACGTTGGCAGACAGTAACCGCAGC-3'
Protein context (NP_056219.3, residues 41-61): QLHQALTALL[Ser51Arg]EAEREQFTHC

ClinVar aggregate classification (germline): Uncertain significance (1 of 4 stars; one submission).

Allele frequency attached by ClinVar (database versions not stated): gnomAD 0.00001; TOPMed 0.00001.
gnomAD v4.1: 5 of 1,606,190 alleles (0.00031%); highest among the groups gnomAD compares: Non-Finnish European, 0.00034%; no homozygotes.

Submission:

Labcorp Genetics (formerly Invitae), Labcorp
Classification: Uncertain significance. Last evaluated: 2022-06-03. Review status: criteria provided, single submitter. Criteria: Invitae Variant Classification Sherloc (09022015). Collection method: clinical testing. Allele origin: germline.
Comment: ClinVar contains an entry for this variant (Variation ID: 1464710). In summary, the available evidence is currently insufficient to determine the role of this variant in disease. Therefore, it has been classified as a Variant of Uncertain Significance. Algorithms developed to predict the effect of missense changes on protein structure and function are either unavailable or do not agree on the potential impact of this missense change (SIFT: "Deleterious"; PolyPhen-2: "Possibly Damaging"; Align-GVGD: "Class C0"). This variant has not been reported in the literature in individuals affected with WHRN-related conditions. This variant is not present in population databases (gnomAD no frequency). This sequence change replaces serine, which is neutral and polar, with arginine, which is basic and polar, at codon 51 of the WHRN protein (p.Ser51Arg).